The following is an entry in ClinVar:

ClinVar aggregate classification (germline): Uncertain significance (1 of 4 stars; one submission).

Conditions:
Early-infantile DEE. Also called: Early infantile epileptic encephalopathy; Ohtahara syndrome; Early infantile epileptic encephalopathy with suppression bursts. Identifiers: Orphanet 1934, MedGen C0393706, MONDO:0800491.

Allele frequency attached by ClinVar (database versions not stated): gnomAD exomes below 0.00001.
gnomAD v4.1: 2 of 1,614,188 alleles (0.00012%); highest among the groups gnomAD compares: Non-Finnish European, 0.00017%; no homozygotes.

Submission:

Labcorp Genetics (formerly Invitae), Labcorp
Classification: Uncertain significance for Early-infantile DEE. Last evaluated: 2024-03-02. Review status: criteria provided, single submitter. Criteria: Invitae Variant Classification Sherloc (09022015). Collection method: clinical testing. Allele origin: germline.
Comment: This sequence change replaces alanine, which is neutral and non-polar, with valine, which is neutral and non-polar, at codon 1195 of the SPTAN1 protein (p.Ala1195Val). This variant is present in population databases (no rsID available, gnomAD 0.0009%). This variant has not been reported in the literature in individuals affected with SPTAN1-related conditions. ClinVar contains an entry for this variant (Variation ID: 2194996). Advanced modeling of protein sequence and biophysical properties (such as structural, functional, and spatial information, amino acid conservation, physicochemical variation, residue mobility, and thermodynamic stability) has been performed at Invitae for this missense variant, however the output from this modeling did not meet the statistical confidence thresholds required to predict the impact of this variant on SPTAN1 protein function. In summary, the available evidence is currently insufficient to determine the role of this variant in disease. Therefore, it has been classified as a Variant of Uncertain Significance.

NM_001130438.3(SPTAN1):c.3584C>T (p.Ala1195Val)

Gene: SPTAN1 (spectrin alpha, non-erythrocytic 1; plus strand). Cytogenetic location: 9q34.11.
Variant type: single nucleotide variant.
Coding change: c.3584C>T on transcript NM_001130438.3 (MANE Select); coding-DNA position 3584, C replaced by T.
Protein change: p.Ala1195Val; replaces alanine 1195 with valine.
Molecular consequence: missense variant.
Genome position (GRCh38, 1-based): chr9:128,603,547, C>T. VCF-style: chr9-128603547-C-T. GRCh37 (hg19) VCF-style: chr9-131365826-C-T.
Other names: c.3524C>T, p.Ala1175Val (NM_001195532.2, NM_001363765.2, NM_001375314.2); c.3584C>T, p.Ala1195Val (NM_001363759.2, NM_001375310.1, NM_001375311.2 and 2 more transcripts); c.3620C>T, p.Ala1207Val (NM_001375312.2, NM_001375318.1); short protein forms A1175V, A1195V, A1207V.
Identifiers: ClinVar variation 2194996 (VCV002194996.4), dbSNP rs1453073689, ClinGen allele CA375062801.